The following is an entry in ClinVar:

ClinVar aggregate classification (germline): Uncertain significance (1 of 4 stars; one submission).

Allele frequency attached by ClinVar (database versions not stated): ESP Exome Variant Server 0.00008; ExAC 0.00010; gnomAD exomes 0.00013 and 0.00019; gnomAD 0.00014 and 0.00015; TOPMed 0.00015; 1000 Genomes Project 30x 0.00016; 1000 Genomes Project 0.00020.
gnomAD v4.1: 310 of 1,596,216 alleles (0.019%); highest among the groups gnomAD compares: Admixed American, 0.044%; no homozygotes.

Submission:

Labcorp Genetics (formerly Invitae), Labcorp
Classification: Uncertain significance. Last evaluated: 2025-11-23. Review status: criteria provided, single submitter. Criteria: Invitae Variant Classification Sherloc (09022015). Collection method: clinical testing. Allele origin: germline.
Comment: This sequence change disrupts the translational stop signal of the SHPK mRNA. It is expected to extend the length of the SHPK protein by 11 additional amino acid residues. This variant is present in population databases (rs200377484, gnomAD 0.04%). This variant has not been reported in the literature in individuals affected with SHPK-related conditions. ClinVar contains an entry for this variant (Variation ID: 1498026). In summary, the available evidence is currently insufficient to determine the role of this variant in disease. Therefore, it has been classified as a Variant of Uncertain Significance.

NM_013276.4(SHPK):c.1435T>C (p.Ter479Gln)

Gene: SHPK (sedoheptulokinase; minus strand). Cytogenetic location: 17p13.2.
Variant type: single nucleotide variant.
Coding change: c.1435T>C on transcript NM_013276.4 (MANE Select); coding-DNA position 1435, T replaced by C.
Protein change: p.Ter479Gln.
Molecular consequence: stop lost.
Genome position (GRCh38, 1-based): chr17:3,610,562, A>G on the plus strand (T>C on the coding strand, the complement: SHPK is on the minus strand). VCF-style: chr17-3610562-A-G. GRCh37 (hg19) VCF-style: chr17-3513856-A-G.
Identifiers: ClinVar variation 1498026 (VCV001498026.6), dbSNP rs200377484, ClinGen allele CA8291022.
Genomic context (GRCh38, chr17:3,610,562, plus strand): 5'-GTCAGGAATGTTAATCAGGTAAAATTCACAGCAGTCGTTTGGCGAAAGAGTTTGCTGTCT[A>G]AGATTCCTTCTGGTTGAGGTGTCTCCGGAGCATGACCAGAGCTGCCCCGACAGCTGCATC-3'